The following is an entry in ClinVar:

NM_001563.4(IMPG1):c.2364A>T (p.Glu788Asp)

Gene: IMPG1 (interphotoreceptor matrix proteoglycan 1; minus strand). Cytogenetic location: 6q14.1.
Variant type: single nucleotide variant.
Coding change: c.2364A>T on transcript NM_001563.4 (MANE Select); coding-DNA position 2364, A replaced by T.
Protein change: p.Glu788Asp; replaces glutamic acid 788 with aspartic acid.
Molecular consequence: missense variant.
Genome position (GRCh38, 1-based): chr6:75,922,119, T>A on the plus strand (A>T on the coding strand, the complement: IMPG1 is on the minus strand). VCF-style: chr6-75922119-T-A. GRCh37 (hg19) VCF-style: chr6-76631836-T-A.
Other names: c.2130A>T, p.Glu710Asp (NM_001282368.2); short protein forms E710D, E788D.
Identifiers: ClinVar variation 2756077 (VCV002756077.3), dbSNP rs2535853864, ClinGen allele CA364765879.

ClinVar aggregate classification (germline): Uncertain significance (1 of 4 stars; one submission).

Submission:

Labcorp Genetics (formerly Invitae), Labcorp
Classification: Uncertain significance. Last evaluated: 2023-12-19. Review status: criteria provided, single submitter. Criteria: Invitae Variant Classification Sherloc (09022015). Collection method: clinical testing. Allele origin: germline.
Comment: This sequence change replaces glutamic acid, which is acidic and polar, with aspartic acid, which is acidic and polar, at codon 788 of the IMPG1 protein (p.Glu788Asp). This variant is not present in population databases (gnomAD no frequency). This variant has not been reported in the literature in individuals affected with IMPG1-related conditions. An algorithm developed to predict the effect of missense changes on protein structure and function (PolyPhen-2) suggests that this variant is likely to be disruptive. In summary, the available evidence is currently insufficient to determine the role of this variant in disease. Therefore, it has been classified as a Variant of Uncertain Significance.